The following is an entry in ClinVar:

NM_005263.5(GFI1):c.1210G>A (p.Gly404Ser)

Genes: GFI1 (growth factor independent 1 transcriptional repressor; minus strand), LOC129930930 (ATAC-STARR-seq lymphoblastoid active region 1314; plus strand). Cytogenetic location: 1p22.1.
Variant type: single nucleotide variant.
Coding change: c.1210G>A on transcript NM_005263.5 (MANE Select); coding-DNA position 1210, G replaced by A.
Protein change: p.Gly404Ser; replaces glycine 404 with serine.
Molecular consequence: missense variant.
Genome position (GRCh38, 1-based): chr1:92,476,088, C>T on the plus strand (G>A on the coding strand, the complement: GFI1 is on the minus strand). VCF-style: chr1-92476088-C-T. GRCh37 (hg19) VCF-style: chr1-92941645-C-T.
Other names: c.1210G>A, p.Gly404Ser (NM_001127215.3, NM_001127216.3); short protein forms G404S.
Identifiers: ClinVar variation 4671579 (VCV004671579.1).

ClinVar aggregate classification (germline): Uncertain significance (1 of 4 stars; one submission).

Submission:

Ambry Genetics
Classification: Uncertain significance. Last evaluated: 2025-10-22. Review status: criteria provided, single submitter. Criteria: Ambry Variant Classification Scheme 2023. Collection method: clinical testing. Allele origin: germline.
Comment: The p.G404S variant (also known as c.1210G>A), located in coding exon 6 of the GFI1 gene, results from a G to A substitution at nucleotide position 1210. The glycine at codon 404 is replaced by serine, an amino acid with similar properties. This amino acid position is conserved. In addition, this alteration is predicted to be tolerated by in silico analysis. Based on the available evidence, the clinical significance of this variant remains unclear.